The following is an entry in ClinVar:

NM_001365999.1(SZT2):c.9660del (p.Glu3221fs)

Genes: SZT2 (SZT2 subunit of KICSTOR complex; plus strand), SZT2-AS1 (SZT2 antisense RNA 1; minus strand). Cytogenetic location: 1p34.2.
Variant type: Deletion.
Coding change: c.9660del on transcript NM_001365999.1 (MANE Select); coding-DNA position 9660, one base deleted (T; older notation c.9660delT).
Protein change: p.Glu3221fs; shifts the reading frame from glutamic acid 3221.
Molecular consequence: frameshift variant. On other transcripts: non-coding transcript variant (1).
Genome position (GRCh38, 1-based): chr1:43,448,175, T deleted. VCF-style (leftmost placement, unchanged base first): chr1-43448174-CT-C. GRCh37 (hg19) VCF-style: chr1-43913845-CT-C.
Other names: c.9489del, p.Glu3164fs (NM_015284.4); short protein forms E3164fs, E3221fs.
Identifiers: ClinVar variation 3676976 (VCV003676976.2).

ClinVar aggregate classification (germline): Pathogenic (1 of 4 stars; one submission).

Submission:

Labcorp Genetics (formerly Invitae), Labcorp
Classification: Pathogenic. Last evaluated: 2024-06-12. Review status: criteria provided, single submitter. Criteria: Invitae Variant Classification Sherloc (09022015). Collection method: clinical testing. Allele origin: germline.
Comment: This sequence change creates a premature translational stop signal (p.Glu3164Serfs*20) in the SZT2 gene. It is expected to result in an absent or disrupted protein product. Loss-of-function variants in SZT2 are known to be pathogenic (PMID: 23932106, 27248490, 28556953). This variant is not present in population databases (gnomAD no frequency). This variant has not been reported in the literature in individuals affected with SZT2-related conditions. For these reasons, this variant has been classified as Pathogenic.

Literature cited by the submitters: PubMed 23932106; PubMed 27248490; PubMed 28556953.